The following is an entry in ClinVar:

NM_182760.4(SUMF1):c.52_53insA (p.Leu18fs)

Gene: SUMF1 (sulfatase modifying factor 1; minus strand). Cytogenetic location: 3p26.1.
Variant type: Insertion.
Coding change: c.52_53insA on transcript NM_182760.4 (MANE Select); coding-DNA positions 52 to 53, A inserted.
Protein change: p.Leu18fs; shifts the reading frame from leucine 18.
Molecular consequence: frameshift variant.
Genome position: GRCh38 VCF-style: chr3-4467193-A-AT. GRCh37 (hg19) VCF-style: chr3-4508877-A-AT.
Other names: c.52_53insA, p.Leu18fs (NM_001164674.2, NM_001164675.2); short protein forms L18fs.
Identifiers: ClinVar variation 5004328 (VCV005004328.1).

ClinVar aggregate classification (germline): Pathogenic (1 of 4 stars; one submission).

Conditions:
Multiple sulfatase deficiency (MSD). Also called: Sulfatidosis, Juvenile, Austin Type; Mucosulfatidosis; Multiple Sulfatase Deficiency Disease. Identifiers: Orphanet 585, MedGen C0268263, MONDO:0010088, OMIM 272200.

Submission:

Myriad Genetics, Inc.
Classification: Pathogenic for Multiple sulfatase deficiency. Last evaluated: 2025-12-11. Review status: criteria provided, single submitter. Criteria: Myriad Autosomal Dominant, Autosomal Recessive and X-Linked Classification Criteria (2023). Collection method: clinical testing. Allele origin: unknown.
Comment: NM_182760.3(SUMF1):c.52_53insA(L18Hfs*58) is a frameshift variant classified as pathogenic in the context of multiple sulfatase deficiency. L18Hfs*58 has not been observed in cases with relevant disease. Relevant functional assessments of this variant are not available in the literature. L18Hfs*58 has not been observed in referenced population frequency databases. In summary, NM_182760.3(SUMF1):c.52_53insA(L18Hfs*58) is a frameshift variant in a gene where loss of function is a known mechanism of disease and is predicted to disrupt protein function. Please note: this variant was assessed in the context of healthy population screening.